The following is an entry in ClinVar:

NM_194277.3(FRMD7):c.1973T>C (p.Leu658Pro)

Gene: FRMD7 (FERM domain containing 7; minus strand). Cytogenetic location: Xq26.2.
Variant type: single nucleotide variant.
Coding change: c.1973T>C on transcript NM_194277.3 (MANE Select); coding-DNA position 1973, T replaced by C.
Protein change: p.Leu658Pro; replaces leucine 658 with proline.
Molecular consequence: missense variant.
Genome position (GRCh38, 1-based): chrX:132,078,044, A>G on the plus strand (T>C on the coding strand, the complement: FRMD7 is on the minus strand). VCF-style: chrX-132078044-A-G. GRCh37 (hg19) VCF-style: chrX-131212072-A-G.
Other names: c.1928T>C, p.Leu643Pro (NM_001306193.2); short protein forms L643P, L658P.
Identifiers: ClinVar variation 2775975 (VCV002775975.4), dbSNP rs749522497, ClinGen allele CA335857464.

ClinVar aggregate classification (germline): Uncertain significance. Review status: criteria provided, multiple submitters, no conflicts (2 of 4 stars). 2 submissions from 2 submitters: Uncertain significance (2). Last evaluated 2023-09-08.

Allele frequency attached by ClinVar (database versions not stated): gnomAD exomes below 0.00001; gnomAD 0.00001; TOPMed 0.00002.
gnomAD v4.1: 3 of 1,209,323 alleles (0.00025%); highest among the groups gnomAD compares: African/African-American, 0.0035%; no homozygotes.

Submissions (2):

Labcorp Genetics (formerly Invitae), Labcorp
Classification: Uncertain significance. Last evaluated: 2023-09-08. Review status: criteria provided, single submitter. Criteria: Invitae Variant Classification Sherloc (09022015). Collection method: clinical testing. Allele origin: germline.
Comment: This sequence change replaces leucine, which is neutral and non-polar, with proline, which is neutral and non-polar, at codon 658 of the FRMD7 protein (p.Leu658Pro). This variant is not present in population databases (gnomAD no frequency). This variant has not been reported in the literature in individuals affected with FRMD7-related conditions. An algorithm developed to predict the effect of missense changes on protein structure and function (PolyPhen-2) suggests that this variant is likely to be tolerated. In summary, the available evidence is currently insufficient to determine the role of this variant in disease. Therefore, it has been classified as a Variant of Uncertain Significance.

Blueprint Genetics
Classification: Uncertain significance. Last evaluated: 2021-11-11. Review status: criteria provided, single submitter. Criteria: ACMG Guidelines, 2015. Collection method: clinical testing. Allele origin: germline.